The following is an entry in ClinVar:

ClinVar aggregate classification (germline): Uncertain significance (1 of 4 stars; one submission).

Allele frequency attached by ClinVar (database versions not stated): gnomAD exomes below 0.00001.
gnomAD v4.1: 1 of 1,613,960 alleles (0.000062%); highest among the groups gnomAD compares: Non-Finnish European, 0.000085%; no homozygotes.

Submission:

GeneDx
Classification: Uncertain significance. Last evaluated: 2022-11-11. Review status: criteria provided, single submitter. Criteria: GeneDx Variant Classification Process June 2021. Collection method: clinical testing. Allele origin: germline. Affected: yes.
Comment: Not observed at significant frequency in large population cohorts (gnomAD); In silico analysis supports that this missense variant has a deleterious effect on protein structure/function; Has not been previously published as pathogenic or benign to our knowledge

NM_004380.3(CREBBP):c.6293C>T (p.Ala2098Val)

Gene: CREBBP (CREB binding protein; minus strand). Cytogenetic location: 16p13.3.
Variant type: single nucleotide variant.
Coding change: c.6293C>T on transcript NM_004380.3 (MANE Select); coding-DNA position 6293, C replaced by T.
Protein change: p.Ala2098Val; replaces alanine 2098 with valine.
Molecular consequence: missense variant.
Genome position (GRCh38, 1-based): chr16:3,728,754, G>A on the plus strand (C>T on the coding strand, the complement: CREBBP is on the minus strand). VCF-style: chr16-3728754-G-A. GRCh37 (hg19) VCF-style: chr16-3778755-G-A.
Other names: c.6179C>T, p.Ala2060Val (NM_001079846.1); short protein forms A2060V, A2098V.
Identifiers: ClinVar variation 2502054 (VCV002502054.1), dbSNP rs2548346169, ClinGen allele CA394553702.